The following is an entry in ClinVar:

NM_001040716.2(PC):c.1487G>A (p.Arg496Gln)

Gene: PC (pyruvate carboxylase; minus strand). Cytogenetic location: 11q13.2.
Variant type: single nucleotide variant.
Coding change: c.1487G>A on transcript NM_001040716.2 (MANE Select); coding-DNA position 1487, G replaced by A.
Protein change: p.Arg496Gln; replaces arginine 496 with glutamine.
Molecular consequence: missense variant.
Genome position (GRCh38, 1-based): chr11:66,853,265, C>T on the plus strand (G>A on the coding strand, the complement: PC is on the minus strand). VCF-style: chr11-66853265-C-T. GRCh37 (hg19) VCF-style: chr11-66620736-C-T.
Other names: c.1487G>A, p.Arg496Gln (NM_000920.4, NM_022172.3); short protein forms R496Q.
Identifiers: ClinVar variation 3769143 (VCV003769143.2).
Genomic context (GRCh38, chr11:66,853,265, plus strand): 5'-GGGGAGGGCAGGGCAGGGCAGTCTCGGGCCAGACCGAGGTAGTGCAACAGCTTTTGGGCC[C>T]GGTTCTGTGCAGGCCGCAGCTGGAACAGCTCTGGGTTCTCGTCGATGAACTGGGTGTCCA-3'
Protein context (NP_001035806.1, residues 486-506): ELFQLRPAQN[Arg496Gln]AQKLLHYLGH

ClinVar aggregate classification (germline): Uncertain significance (1 of 4 stars; one submission).

Submission:

Women's Health and Genetics/Laboratory Corporation of America, LabCorp
Classification: Uncertain significance. Last evaluated: 2025-01-29. Review status: criteria provided, single submitter. Criteria: LabCorp Variant Classification Summary - May 2015. Collection method: clinical testing. Allele origin: germline.
Comment: Variant summary: PC c.1487G>A (p.Arg496Gln) results in a conservative amino acid change in the encoded protein sequence. Four of five in-silico tools predict a damaging effect of the variant on protein function. The variant was absent in 251382 control chromosomes. The available data on variant occurrences in the general population are insufficient to allow any conclusion about variant significance. c.1487G>A has been reported in the literature in at least one compound heterozygous individual affected with an unspecified mitochondrial disorder (e.g. Pronicka_2016). These data do not allow any conclusion about variant significance. To our knowledge, no experimental evidence demonstrating an impact on protein function has been reported. The following publication has been ascertained in the context of this evaluation (PMID: 27290639). No submitters have cited clinical-significance assessments for this variant to ClinVar. Based on the evidence outlined above, the variant was classified as uncertain significance.

Literature cited by the submitters: PubMed 27290639.